The following is an entry in ClinVar:

ClinVar aggregate classification (germline): Uncertain significance. Review status: criteria provided, multiple submitters, no conflicts (2 of 4 stars). 2 submissions from 2 submitters: Uncertain significance (2). Last evaluated 2020-02-06.

Conditions:
Periodic fever-infantile enterocolitis-autoinflammatory syndrome. Also called: Autoinflammation with infantile enterocolitis. Identifiers: Orphanet 436166, MedGen C4015067, MONDO:0014472, OMIM 616050.
Familial cold autoinflammatory syndrome 4 (FCAS4). Identifiers: Orphanet 47045, Orphanet 576349, MedGen C4015276, MONDO:0014498, OMIM 616115.

Allele frequency attached by ClinVar (database versions not stated): gnomAD exomes below 0.00001.
gnomAD v4.1: 6 of 1,613,946 alleles (0.00037%); highest among the groups gnomAD compares: Non-Finnish European, 0.00051%; no homozygotes.

Submissions (2):

GeneDx
Classification: Uncertain significance. Last evaluated: 2020-02-06. Review status: criteria provided, single submitter. Criteria: GeneDx Variant Classification Process June 2021. Collection method: clinical testing. Allele origin: germline. Affected: yes.
Comment: In silico analysis supports that this missense variant does not alter protein structure/function; In silico analysis, which includes splice predictors and evolutionary conservation, suggests this variant may impact gene splicing. In the absence of RNA/functional studies, the actual effect of this sequence change is unknown.; Not observed in large population cohorts (Lek et al., 2016); Has not been previously published as pathogenic or benign to our knowledge

Labcorp Genetics (formerly Invitae), Labcorp
Classification: Uncertain significance for Periodic fever-infantile enterocolitis-autoinflammatory syndrome; Familial cold autoinflammatory syndrome 4. Last evaluated: 2018-04-04. Review status: criteria provided, single submitter. Criteria: Invitae Variant Classification Sherloc (09022015). Collection method: clinical testing. Allele origin: germline.
Comment: This sequence change replaces serine with glycine at codon 817 of the NLRC4 protein (p.Ser817Gly). The serine residue is weakly conserved and there is a small physicochemical difference between serine and glycine. This variant is not present in population databases (ExAC no frequency). This variant has not been reported in the literature in individuals with NLRC4-related disease. Algorithms developed to predict the effect of missense changes on protein structure and function output the following: SIFT: "Tolerated"; PolyPhen-2: "Benign"; Align-GVGD: "Class C0". The glycine amino acid residue is found in multiple mammalian species, suggesting that this missense change does not adversely affect protein function. These predictions have not been confirmed by published functional studies and their clinical significance is uncertain. Algorithms developed to predict the effect of sequence changes on RNA splicing suggest that this variant may create or strengthen a splice site, but this prediction has not been confirmed by published transcriptional studies. In summary, the available evidence is currently insufficient to determine the role of this variant in disease. Therefore, it has been classified as a Variant of Uncertain Significance.

NM_001199138.2(NLRC4):c.2449A>G (p.Ser817Gly)

Gene: NLRC4 (NLR family CARD domain containing 4; minus strand). Cytogenetic location: 2p22.3.
Variant type: single nucleotide variant.
Coding change: c.2449A>G on transcript NM_001199138.2 (MANE Select); coding-DNA position 2449, A replaced by G.
Protein change: p.Ser817Gly; replaces serine 817 with glycine.
Molecular consequence: missense variant.
Genome position (GRCh38, 1-based): chr2:32,238,204, T>C on the plus strand (A>G on the coding strand, the complement: NLRC4 is on the minus strand). VCF-style: chr2-32238204-T-C. GRCh37 (hg19) VCF-style: chr2-32463273-T-C.
Other names: c.2449A>G, p.Ser817Gly (NM_001199139.2, NM_021209.5); c.454A>G, p.Ser152Gly (NM_001302504.2); short protein forms S817G, S152G.
Identifiers: ClinVar variation 576184 (VCV000576184.10), dbSNP rs755782497, ClinGen allele CA44739450.